The following is an entry in ClinVar:

ClinVar aggregate classification (germline): Uncertain significance (1 of 4 stars; one submission).

Conditions:
Inborn genetic diseases. Identifiers: MedGen C0950123, MeSH D030342.

Submission:

Ambry Genetics
Classification: Uncertain significance for Inborn genetic diseases. Last evaluated: 2021-10-25. Review status: criteria provided, single submitter. Criteria: Ambry Variant Classification Scheme 2023. Collection method: clinical testing. Allele origin: germline.
Comment: The p.I863V variant (also known as c.2587A>G), located in coding exon 20 of the BUB1B gene, results from an A to G substitution at nucleotide position 2587. The isoleucine at codon 863 is replaced by valine, an amino acid with highly similar properties. This amino acid position is conserved. In addition, this alteration is predicted to be tolerated by in silico analysis. Since supporting evidence is limited at this time, the clinical significance of this alteration remains unclear.

NM_001211.6(BUB1B):c.2587A>G (p.Ile863Val)

Gene: BUB1B (BUB1 mitotic checkpoint serine/threonine kinase B; plus strand). Cytogenetic location: 15q15.1.
Variant type: single nucleotide variant.
Coding change: c.2587A>G on transcript NM_001211.6 (MANE Select); coding-DNA position 2587, A replaced by G.
Protein change: p.Ile863Val; replaces isoleucine 863 with valine.
Molecular consequence: missense variant.
Genome position (GRCh38, 1-based): chr15:40,213,383, A>G. VCF-style: chr15-40213383-A-G. GRCh37 (hg19) VCF-style: chr15-40505584-A-G.
Other names: short protein forms I863V.
Identifiers: ClinVar variation 1793438 (VCV001793438.2), dbSNP rs2542576986, ClinGen allele CA391686164.